The following is an entry in ClinVar:

ClinVar aggregate classification (germline): Uncertain significance (1 of 4 stars; one submission).

Conditions:
Atrial fibrillation, familial, 7 (ATFB7). Identifiers: MedGen C2677106, MONDO:0012828, OMIM 612240.

gnomAD v4.1: 2 of 1,549,560 alleles (0.00013%); highest among the groups gnomAD compares: African/African-American, 0.0027%; no homozygotes.

Submission:

Labcorp Genetics (formerly Invitae), Labcorp
Classification: Uncertain significance for Atrial fibrillation, familial, 7. Last evaluated: 2025-09-25. Review status: criteria provided, single submitter. Criteria: Invitae Variant Classification Sherloc (09022015). Collection method: clinical testing. Allele origin: germline.
Comment: This sequence change replaces alanine, which is neutral and non-polar, with glycine, which is neutral and non-polar, at codon 56 of the KCNA5 protein (p.Ala56Gly). This variant is not present in population databases (gnomAD no frequency). This variant has not been reported in the literature in individuals affected with KCNA5-related conditions. An algorithm developed to predict the effect of missense changes on protein structure and function outputs the following: PolyPhen-2: "Benign". The glycine amino acid residue is found in multiple mammalian species, which suggests that this missense change does not adversely affect protein function. In summary, the available evidence is currently insufficient to determine the role of this variant in disease. Therefore, it has been classified as a Variant of Uncertain Significance.

NM_002234.4(KCNA5):c.167C>G (p.Ala56Gly)

Gene: KCNA5 (potassium voltage-gated channel subfamily A member 5; plus strand). Cytogenetic location: 12p13.32.
Variant type: single nucleotide variant.
Coding change: c.167C>G on transcript NM_002234.4 (MANE Select); coding-DNA position 167, C replaced by G.
Protein change: p.Ala56Gly; replaces alanine 56 with glycine.
Molecular consequence: missense variant.
Genome position (GRCh38, 1-based): chr12:5,044,314, C>G. VCF-style: chr12-5044314-C-G. GRCh37 (hg19) VCF-style: chr12-5153480-C-G.
Other names: short protein forms A56G.
Identifiers: ClinVar variation 4759879 (VCV004759879.1).
Genomic context (GRCh38, chr12:5,044,314, plus strand): 5'-GTCCCCCGACGGCTGGGCTCAGCGATGGGCCCAAGGAGCCGGCGCCAAAGGGGCGCGGCG[C>G]GCAGAGAGACGCGGACTCGGGAGTGCGGCCCTTGCCTCCGCTGCCGGACCCGGGAGTGCG-3'
Protein context (NP_002225.2, residues 46-66): PKEPAPKGRG[Ala56Gly]QRDADSGVRP